The following is an entry in ClinVar:

NM_000521.4(HEXB):c.1583G>T (p.Arg528Ile)

Genes: GFM2 (GTP dependent ribosome recycling factor mitochondrial 2; minus strand), HEXB (hexosaminidase subunit beta; plus strand). Cytogenetic location: 5q13.3.
Variant type: single nucleotide variant.
Coding change: c.1583G>T on transcript NM_000521.4 (MANE Select); coding-DNA position 1583, G replaced by T.
Protein change: p.Arg528Ile; replaces arginine 528 with isoleucine.
Molecular consequence: missense variant.
Genome position (GRCh38, 1-based): chr5:74,720,717, G>T. VCF-style: chr5-74720717-G-T. GRCh37 (hg19) VCF-style: chr5-74016542-G-T.
Other names: c.908G>T, p.Arg303Ile (NM_001292004.2); short protein forms R303I, R528I.
Identifiers: ClinVar variation 984468 (VCV000984468.3), dbSNP rs760366178, ClinGen allele CA120908495.

ClinVar aggregate classification (germline): Uncertain significance. Review status: criteria provided, multiple submitters, no conflicts (2 of 4 stars). 3 submissions from 3 submitters: Uncertain significance (2). 1 of the submissions does not count toward it. Last evaluated 2025-09-24.

Conditions:
Sandhoff disease. Also called: GM2-GANGLIOSIDOSIS, TYPE II; Beta-hexosaminidase-beta-subunit deficiency; GM2 gangliosidosis, type 2; Total hexosaminidase deficiency; Sandhoff-Jatzkewitz-Pilz disease; HEXOSAMINIDASES A AND B DEFICIENCY. Identifiers: Orphanet 796, MedGen C0036161, MONDO:0010006, OMIM 268800.

Allele frequency attached by ClinVar (database versions not stated): TOPMed below 0.00001; gnomAD exomes 0.00001.
gnomAD v4.1: 16 of 1,614,068 alleles (0.00099%); highest among the groups gnomAD compares: Non-Finnish European, 0.0014%; no homozygotes.

Submissions (3):

GeneDx
Classification: Uncertain significance. Last evaluated: 2025-09-24. Review status: criteria provided, single submitter. Criteria: GeneDx Variant Classification Process June 2021. Collection method: clinical testing. Allele origin: germline. Affected: yes.
Comment: Not observed at significant frequency in large population cohorts (gnomAD); In silico analysis supports that this missense variant has a deleterious effect on protein structure/function; Has not been previously published as pathogenic or benign to our knowledge

Women's Health and Genetics/Laboratory Corporation of America, LabCorp
Classification: Uncertain significance. Last evaluated: 2020-10-18. Review status: criteria provided, single submitter. Criteria: LabCorp Variant Classification Summary - May 2015. Collection method: clinical testing. Allele origin: germline.
Comment: Variant summary: HEXB c.1583G>T (p.Arg528Ile) results in a non-conservative amino acid change in the encoded protein sequence. Five of five in-silico tools predict a damaging effect of the variant on protein function. The variant was absent in 251300 control chromosomes. The available data on variant occurrences in the general population are insufficient to allow any conclusion about variant significance. To our knowledge, no occurrence of c.1583G>T in individuals affected with Sandhoff Disease and no experimental evidence demonstrating its impact on protein function have been reported. No clinical diagnostic laboratories have submitted clinical-significance assessments for this variant to ClinVar after 2014. Based on the evidence outlined above, the variant was classified as uncertain significance.

Natera, Inc.
Classification: Uncertain significance for Sandhoff disease. Last evaluated: 2020-01-17. Review status: no assertion criteria provided. Collection method: clinical testing. Allele origin: germline. Not counted in ClinVar's aggregate classification.